The following is an entry in ClinVar:

NM_001384.5(DPH2):c.224C>G (p.Ser75Ter)

Gene: DPH2 (diphthamide biosynthesis 2; plus strand). Cytogenetic location: 1p34.1.
Variant type: single nucleotide variant.
Coding change: c.224C>G on transcript NM_001384.5 (MANE Select); coding-DNA position 224, C replaced by G.
Protein change: p.Ser75Ter; replaces serine 75 with a stop codon.
Molecular consequence: nonsense. On other transcripts: 5 prime UTR variant (5), missense variant (1).
Genome position (GRCh38, 1-based): chr1:43,970,672, C>G. VCF-style: chr1-43970672-C-G. GRCh37 (hg19) VCF-style: chr1-44436344-C-G.
Other names: c.224C>G, p.Ser75Ter (NM_001039589.2, NM_001319166.2); c.-5C>G (NM_001319165.2, NM_001319168.2); c.-465C>G (NM_001319167.2); c.43C>G, p.Gln15Glu (NM_001319169.2); c.-416C>G (NM_001319170.2); c.-252C>G (NM_001319171.2); short protein forms Q15E, S75*.
Identifiers: ClinVar variation 2671662 (VCV002671662.1), dbSNP rs2529100401, ClinGen allele CA340069327.

ClinVar aggregate classification (germline): Likely pathogenic (1 of 4 stars; one submission).

Conditions:
Developmental delay with short stature, dysmorphic facial features, and sparse hair 2 (DEDSSH2). Also called: DIPHTHAMIDE DEFICIENCY SYNDROME 2. Identifiers: MedGen C5774223, MONDO:0100217, OMIM 620062.

Submission:

Neuberg Centre For Genomic Medicine, NCGM
Classification: Likely pathogenic for Developmental delay with short stature, dysmorphic facial features, and sparse hair 2. Last evaluated: 2023-03-01. Review status: criteria provided, single submitter. Criteria: ACMG Guidelines, 2015. Collection method: clinical testing. Allele origin: germline. Inheritance: Autosomal recessive inheritance. Affected: yes.
Comment: The stop gained c.224C>G(p.Ser75Ter) variant in DPH2 gene has not been reported previously as a pathogenic variant nor a benign variant, to our knowledge. The c.224C>G variant is novel (not in any individuals) in gnomAD Exomes and 1000 Genomes. This variant has not been reported to the ClinVar database. The nucleotide change c.224C>G in DPH2 is predicted as conserved by GERP++ and PhyloP across 100 vertebrates. This sequence change creates a premature translational stop signal (p.Ser75Ter) in the DPH2 gene. This variant is predicted to cause loss of normal protein function through protein truncation. Loss of function variants have been previously reported to be disease causing. For these reasons, this variant has been classified as Likely Pathogenic. In absence of another reportable variant in DPH2 gene, the molecular diagnosis is not confirmed.